The following is an entry in ClinVar:

ClinVar aggregate classification (germline): Uncertain significance (1 of 4 stars; one submission).

Submission:

GeneDx
Classification: Uncertain significance. Last evaluated: 2022-09-23. Review status: criteria provided, single submitter. Criteria: GeneDx Variant Classification Process June 2021. Collection method: clinical testing. Allele origin: germline. Affected: yes.
Comment: Not observed at significant frequency in large population cohorts (gnomAD); In-frame deletion of 1 amino acid in a non-repeat region; In silico analysis supports a deleterious effect on protein structure/function; Has not been previously published as pathogenic or benign to our knowledge

NM_002742.3(PRKD1):c.1923TGT[1] (p.Val643del)

Gene: PRKD1 (protein kinase D1; minus strand). Cytogenetic location: 14q12.
Variant type: Microsatellite.
Coding change: c.1923TGT[1] on transcript NM_002742.3 (MANE Select); one copy of the 3-base unit TGT starting at c.1923; the reference has two copies in a row; one copy, 3 bases deleted.
Protein change: p.Val643del; deletes valine 643.
Molecular consequence: inframe deletion.
Genome position (GRCh38, 1-based): chr14:29,599,795-29,599,797, ACA deleted on the plus strand (TGT on the coding strand, the reverse complement: PRKD1 is on the minus strand); deleting any 3 consecutive bases within chr14:29,599,795-29,599,800 gives the same sequence; the position shown is the placement nearest the transcript's 3' end. VCF-style (leftmost placement, unchanged base first): chr14-29599794-TACA-T. GRCh37 (hg19) VCF-style: chr14-30069000-TACA-T.
Other names: c.1947TGT[1], p.Val651del (NM_001330069.2); c.1659TGT[1], p.Val555del (NM_001348390.1); short protein forms V555del, V643del, V651del.
Identifiers: ClinVar variation 2446294 (VCV002446294.1), dbSNP rs2502453493, ClinGen allele CA2580616577.